The following is an entry in ClinVar:

ClinVar aggregate classification (germline): Uncertain significance. Review status: criteria provided, multiple submitters, no conflicts (2 of 4 stars). 2 submissions from 2 submitters: Uncertain significance (2). Last evaluated 2023-12-18.

Conditions:
Inborn genetic diseases. Identifiers: MedGen C0950123, MeSH D030342.
Ellis-van Creveld syndrome (EVC). Also called: EVC-Related Ellis-van Creveld Syndrome; EVC2-Related Ellis-van Creveld Syndrome; MESOECTODERMAL DYSPLASIA; Chondroectodermal dysplasia. Identifiers: Orphanet 289, MedGen C0013903, MONDO:0009162, OMIM 225500.
Curry-Hall syndrome (WAD). Also called: WEYERS ACRODENTAL DYSOSTOSIS. Identifiers: Orphanet 952, MedGen C0457013, MONDO:0008673, OMIM 193530.

Allele frequency attached by ClinVar (database versions not stated): gnomAD exomes below 0.00001 and 0.00001; gnomAD 0.00001 and 0.00003; TOPMed 0.00005.

Submissions (2):

Ambry Genetics
Classification: Uncertain significance for Inborn genetic diseases. Last evaluated: 2023-12-18. Review status: criteria provided, single submitter. Criteria: Ambry Variant Classification Scheme 2023. Collection method: clinical testing. Allele origin: germline.

Labcorp Genetics (formerly Invitae), Labcorp
Classification: Uncertain significance for Curry-Hall syndrome; Ellis-van Creveld syndrome. Last evaluated: 2021-08-27. Review status: criteria provided, single submitter. Criteria: Invitae Variant Classification Sherloc (09022015). Collection method: clinical testing. Allele origin: germline.
Comment: This sequence change replaces glutamic acid with glycine at codon 154 of the EVC protein (p.Glu154Gly). The glutamic acid residue is moderately conserved and there is a moderate physicochemical difference between glutamic acid and glycine. This variant is not present in population databases (ExAC no frequency). This variant has not been reported in the literature in individuals affected with EVC-related conditions. Algorithms developed to predict the effect of missense changes on protein structure and function output the following: SIFT: "Deleterious"; PolyPhen-2: "Possibly Damaging"; Align-GVGD: "Class C0". The glycine amino acid residue is found in multiple mammalian species, which suggests that this missense change does not adversely affect protein function. Algorithms developed to predict the effect of sequence changes on RNA splicing suggest that this variant may create or strengthen a splice site. In summary, the available evidence is currently insufficient to determine the role of this variant in disease. Therefore, it has been classified as a Variant of Uncertain Significance.

NM_153717.3(EVC):c.461A>G (p.Glu154Gly)

Gene: EVC (EvC ciliary complex subunit 1; plus strand). Cytogenetic location: 4p16.2.
Variant type: single nucleotide variant.
Coding change: c.461A>G on transcript NM_153717.3 (MANE Select); coding-DNA position 461, A replaced by G.
Protein change: p.Glu154Gly; replaces glutamic acid 154 with glycine.
Molecular consequence: missense variant.
Genome position (GRCh38, 1-based): chr4:5,731,501, A>G. VCF-style: chr4-5731501-A-G. GRCh37 (hg19) VCF-style: chr4-5733228-A-G.
Other names: c.461A>G, p.Glu154Gly (NM_001306090.2, NM_001306092.2); c.461A>G (NM_153717.2); short protein forms E154G.
Identifiers: ClinVar variation 1493707 (VCV001493707.7), dbSNP rs1386247667, ClinGen allele CA356142634.